The following is an entry in ClinVar:

ClinVar aggregate classification (germline): Uncertain significance (1 of 4 stars; one submission).

gnomAD v4.1: 1 of 1,614,032 alleles (0.000062%); no homozygotes.

Submission:

Labcorp Genetics (formerly Invitae), Labcorp
Classification: Uncertain significance. Last evaluated: 2016-06-21. Review status: criteria provided, single submitter. Criteria: Invitae Variant Classification Sherloc (09022015). Collection method: clinical testing. Allele origin: germline.
Comment: In summary, this variant is a novel missense change with uncertain impact on protein function. It has been classified as a Variant of Uncertain Significance. Algorithms developed to predict the effect of missense changes on protein structure and function do not agree on the potential impact of this missense change (SIFT: "Deleterious"; PolyPhen-2: "Probably Damaging"; Align-GVGD: "Class C0"). This variant is not present in population databases (ExAC no frequency) and has not been reported in the literature in individuals with a NSD1-related disease. This sequence change replaces isoleucine with threonine at codon 1759 of the NSD1 protein (p.Ile1759Thr). The isoleucine residue is moderately conserved and there is a moderate physicochemical difference between isoleucine and threonine.

NM_022455.5(NSD1):c.5276T>C (p.Ile1759Thr)

Gene: NSD1 (nuclear receptor binding SET domain protein 1; plus strand). Cytogenetic location: 5q35.3.
Variant type: single nucleotide variant.
Coding change: c.5276T>C on transcript NM_022455.5 (MANE Select); coding-DNA position 5276, T replaced by C.
Protein change: p.Ile1759Thr; replaces isoleucine 1759 with threonine.
Molecular consequence: missense variant.
Genome position (GRCh38, 1-based): chr5:177,267,691, T>C. VCF-style: chr5-177267691-T-C. GRCh37 (hg19) VCF-style: chr5-176694692-T-C.
Other names: c.4403T>C, p.Ile1468Thr (NM_001365684.2, NM_001409308.1, NM_001409309.1 and 1 more transcripts); c.5276T>C, p.Ile1759Thr (NM_001409301.1, NM_001409302.1, NM_001409303.1); c.4856T>C, p.Ile1619Thr (NM_001409304.1); c.4523T>C, p.Ile1508Thr (NM_001409305.1); c.4514T>C, p.Ile1505Thr (NM_001409306.1, NM_001409307.1); short protein forms I1759T, I1490T, I1468T, I1508T, I1619T, I1505T.
Identifiers: ClinVar variation 407369 (VCV000407369.9), dbSNP rs1060501498, ClinGen allele CA16611857.